The following is an entry in ClinVar:

ClinVar aggregate classification (germline): Uncertain significance (1 of 4 stars; one submission).

Conditions:
Familial hypercholesterolemia. Also called: Familial hypercholesterolaemia. Identifiers: MedGen C0020445, MONDO:0005439.

Submission:

Color Diagnostics, LLC DBA Color Health
Classification: Uncertain significance for Familial hypercholesterolemia. Last evaluated: 2025-09-04. Review status: criteria provided, single submitter. Criteria: ACMG Guidelines, 2015. Collection method: clinical testing. Allele origin: germline.
Comment: This variant causes a substitution of 3 consecutive amino acids with 1 novel amino acid in the PCSK9 protein (p.Val661_Thr663delinsSer). To our knowledge, functional studies have not been reported for this variant. This variant has not been reported in individuals affected with PCSK9-related disorders in the literature. This variant has not been identified in the general population by the Genome Aggregation Database (gnomAD). The available evidence is insufficient to determine the role of this variant in disease conclusively. Therefore, this variant is classified as a Variant of Uncertain Significance.

NM_174936.4(PCSK9):c.1981_1987delinsT (p.Val661_Thr663delinsSer)

Gene: PCSK9 (proprotein convertase subtilisin/kexin type 9; plus strand). Cytogenetic location: 1p32.3.
Variant type: Indel.
Coding change: c.1981_1987delinsT on transcript NM_174936.4 (MANE Select); coding-DNA positions 1981 to 1987, GTCAGCA replaced by T.
Protein change: p.Val661_Thr663delinsSer.
Molecular consequence: inframe indel. On other transcripts: non-coding transcript variant (8).
Genome position (GRCh38, 1-based): chr1:55,063,486-55,063,492, GTCAGCA replaced by T. VCF-style: chr1-55063486-GTCAGCA-T. GRCh37 (hg19) VCF-style: chr1-55529159-GTCAGCA-T.
Other names: c.2104_2110delinsT, p.Val702_Thr704delinsSer (NM_001407240.1); c.2023_2029delinsT, p.Val675_Thr677delinsSer (NM_001407241.1); c.1984_1990delinsT, p.Val662_Thr664delinsSer (NM_001407242.1); c.1924_1930delinsT, p.Val642_Thr644delinsSer (NM_001407243.1); c.1807_1813delinsT, p.Val603_Thr605delinsSer (NM_001407244.1); c.1789_1795delinsT, p.Val597_Thr599delinsSer (NM_001407245.1); c.1606_1612delinsT, p.Val536_Thr538delinsSer (NM_001407246.1); c.1480_1486delinsT, p.Val494_Thr496delinsSer (NM_001407247.1).
Identifiers: ClinVar variation 4756269 (VCV004756269.1).